The following is an entry in ClinVar:

ClinVar aggregate classification (germline): Uncertain significance. Review status: criteria provided, multiple submitters, no conflicts (2 of 4 stars). 2 submissions from 2 submitters: Uncertain significance (2). Last evaluated 2023-03-10.

Submissions (2):

Labcorp Genetics (formerly Invitae), Labcorp
Classification: Uncertain significance. Last evaluated: 2023-03-10. Review status: criteria provided, single submitter. Criteria: Invitae Variant Classification Sherloc (09022015). Collection method: clinical testing. Allele origin: germline.
Comment: In summary, the available evidence is currently insufficient to determine the role of this variant in disease. Therefore, it has been classified as a Variant of Uncertain Significance. Advanced modeling of protein sequence and biophysical properties (such as structural, functional, and spatial information, amino acid conservation, physicochemical variation, residue mobility, and thermodynamic stability) has been performed at Invitae for this missense variant, however the output from this modeling did not meet the statistical confidence thresholds required to predict the impact of this variant on PLXNA2 protein function. ClinVar contains an entry for this variant (Variation ID: 2292254). This sequence change replaces leucine, which is neutral and non-polar, with phenylalanine, which is neutral and non-polar, at codon 1179 of the PLXNA2 protein (p.Leu1179Phe). This variant is not present in population databases (gnomAD no frequency). This variant has not been reported in the literature in individuals affected with PLXNA2-related conditions.

Ambry Genetics
Classification: Uncertain significance. Last evaluated: 2022-07-05. Review status: criteria provided, single submitter. Criteria: Ambry Variant Classification Scheme 2023. Collection method: clinical testing. Allele origin: germline.

NM_025179.4(PLXNA2):c.3535C>T (p.Leu1179Phe)

Gene: PLXNA2 (plexin A2; minus strand). Cytogenetic location: 1q32.2.
Variant type: single nucleotide variant.
Coding change: c.3535C>T on transcript NM_025179.4 (MANE Select); coding-DNA position 3535, C replaced by T.
Protein change: p.Leu1179Phe; replaces leucine 1179 with phenylalanine.
Molecular consequence: missense variant.
Genome position (GRCh38, 1-based): chr1:208,045,171, G>A on the plus strand (C>T on the coding strand, the complement: PLXNA2 is on the minus strand). VCF-style: chr1-208045171-G-A. GRCh37 (hg19) VCF-style: chr1-208218516-G-A.
Other names: short protein forms L1179F.
Identifiers: ClinVar variation 2292254 (VCV002292254.5), dbSNP rs2526479298, ClinGen allele CA344564009.